The following is an entry in ClinVar:

ClinVar aggregate classification (germline): Uncertain significance. Review status: criteria provided, multiple submitters, no conflicts (2 of 4 stars). 2 submissions from 2 submitters: Uncertain significance (2). Last evaluated 2026-01-24.

Allele frequency attached by ClinVar (database versions not stated): 1000 Genomes Project 0.00040; 1000 Genomes Project 30x 0.00094; ExAC 0.00101; ESP Exome Variant Server 0.00138.

Submissions (3):

Labcorp Genetics (formerly Invitae), Labcorp
Classification: Uncertain significance. Last evaluated: 2026-01-24. Review status: criteria provided, single submitter. Criteria: Invitae Variant Classification Sherloc (09022015). Collection method: clinical testing. Allele origin: germline.
Comment: This sequence change replaces histidine, which is basic and polar, with glutamine, which is neutral and polar, at codon 693 of the ADGRB2 protein (p.His693Gln). This variant is present in population databases (rs146415162, gnomAD 0.2%), and has an allele count higher than expected for a pathogenic variant. This variant has not been reported in the literature in individuals affected with ADGRB2-related conditions. ClinVar contains an entry for this variant (Variation ID: 1380102). Experimental studies and prediction algorithms are not available or were not evaluated, and the functional significance of this variant is currently unknown. In summary, the available evidence is currently insufficient to determine the role of this variant in disease. Therefore, it has been classified as a Variant of Uncertain Significance.

Breakthrough Genomics
Classification: Uncertain significance. Review status: criteria provided, single submitter. Criteria: ACMG Guidelines, 2015. Collection method: not provided. Allele origin: germline. Inheritance: Unknown mechanism. Affected: yes.

Dr. Peter K. Rogan Lab, Western University
No classification provided (evidence only). Condition: Gastric cancer. Review status: no classification provided. Collection method: in vitro. Allele origin: not applicable. Functional consequence: retained intron. Not counted in ClinVar's aggregate classification.

NM_001364857.2(ADGRB2):c.2079C>G (p.His693Gln)

Gene: ADGRB2 (adhesion G protein-coupled receptor B2; minus strand). Cytogenetic location: 1p35.2.
Variant type: single nucleotide variant.
Coding change: c.2079C>G on transcript NM_001364857.2 (MANE Select); coding-DNA position 2079, C replaced by G.
Protein change: p.His693Gln; replaces histidine 693 with glutamine.
Molecular consequence: missense variant.
Genome position (GRCh38, 1-based): chr1:31,740,014, G>C on the plus strand (C>G on the coding strand, the complement: ADGRB2 is on the minus strand). VCF-style: chr1-31740014-G-C. GRCh37 (hg19) VCF-style: chr1-32205615-G-C.
Other names: c.2079C>G, p.His693Gln (NM_001294335.2, NM_001294336.2); short protein forms H693Q.
Identifiers: ClinVar variation 1380102 (VCV001380102.8), dbSNP rs146415162, ClinGen allele CA735743.